The following is an entry in ClinVar:

ClinVar aggregate classification (germline): Uncertain significance (1 of 4 stars; one submission).

Submission:

Labcorp Genetics (formerly Invitae), Labcorp
Classification: Uncertain significance. Last evaluated: 2024-02-14. Review status: criteria provided, single submitter. Criteria: Invitae Variant Classification Sherloc (09022015). Collection method: clinical testing. Allele origin: germline.
Comment: This sequence change replaces serine, which is neutral and polar, with phenylalanine, which is neutral and non-polar, at codon 588 of the DDX3X protein (p.Ser588Phe). This variant is not present in population databases (gnomAD no frequency). This variant has not been reported in the literature in individuals affected with DDX3X-related conditions. Experimental studies and prediction algorithms are not available or were not evaluated, and the functional significance of this variant is currently unknown. In summary, the available evidence is currently insufficient to determine the role of this variant in disease. Therefore, it has been classified as a Variant of Uncertain Significance.

NM_001356.5(DDX3X):c.1763C>T (p.Ser588Phe)

Gene: DDX3X (DEAD-box helicase 3 X-linked; plus strand). Cytogenetic location: Xp11.4.
Variant type: single nucleotide variant.
Coding change: c.1763C>T on transcript NM_001356.5 (MANE Select); coding-DNA position 1763, C replaced by T.
Protein change: p.Ser588Phe; replaces serine 588 with phenylalanine.
Molecular consequence: missense variant. On other transcripts: non-coding transcript variant (1).
Genome position (GRCh38, 1-based): chrX:41,347,006, C>T. VCF-style: chrX-41347006-C-T. GRCh37 (hg19) VCF-style: chrX-41206259-C-T.
Other names: c.1763C>T, p.Ser588Phe (NM_001193416.3); c.1715C>T, p.Ser572Phe (NM_001193417.3); c.1205C>T, p.Ser402Phe (NM_001363819.1); short protein forms S402F, S588F, S572F.
Identifiers: ClinVar variation 2703297 (VCV002703297.3), dbSNP rs2519525930, ClinGen allele CA412778342.